The following is an entry in ClinVar:

NM_001365951.3(KIF1B):c.3630C>T (p.Asn1210=)

Gene: KIF1B (kinesin family member 1B; plus strand). Cytogenetic location: 1p36.22.
Variant type: single nucleotide variant.
Coding change: c.3630C>T on transcript NM_001365951.3 (MANE Select); coding-DNA position 3630, C replaced by T.
Protein change: p.Asn1210=; no amino-acid change (asparagine 1210 retained).
Molecular consequence: synonymous variant.
Genome position (GRCh38, 1-based): chr1:10,342,166, C>T. VCF-style: chr1-10342166-C-T. GRCh37 (hg19) VCF-style: chr1-10402224-C-T.
Other names: c.3630C>T, p.Asn1210= (NM_001365952.1); c.3492C>T, p.Asn1164= (NM_015074.3).
Identifiers: ClinVar variation 1148829 (VCV001148829.12), dbSNP rs910542787, ClinGen allele CA17843730.

ClinVar aggregate classification (germline): Conflicting classifications of pathogenicity. Review status: criteria provided, conflicting classifications (1 of 4 stars). 2 submissions from 2 submitters: Uncertain significance (1); Likely benign (1). Last evaluated 2025-12-13.

Conditions:
Charcot-Marie-Tooth disease type 2. Also called: Charcot-Marie-Tooth type 2. Identifiers: Orphanet 64746, MedGen C0270914, MONDO:0018993.

Allele frequency attached by ClinVar (database versions not stated): gnomAD 0.00001.
gnomAD v4.1: 25 of 1,578,970 alleles (0.0016%); highest among the groups gnomAD compares: Non-Finnish European, 0.0021%; no homozygotes.

Submissions (2):

Labcorp Genetics (formerly Invitae), Labcorp
Classification: Likely benign for Charcot-Marie-Tooth disease type 2. Last evaluated: 2025-12-13. Review status: criteria provided, single submitter. Criteria: Invitae Variant Classification Sherloc (09022015). Collection method: clinical testing. Allele origin: germline.

Ambry Genetics
Classification: Uncertain significance. Last evaluated: 2024-04-22. Review status: criteria provided, single submitter. Criteria: Ambry Variant Classification Scheme 2023. Collection method: clinical testing. Allele origin: germline.
Comment: The c.3492C>T variant (also known as p.N1164N), located in coding exon 30 of the KIF1B gene, results from a C to T substitution at nucleotide position 3492. This nucleotide substitution does not change the asparagine at codon 1164. This nucleotide position is well conserved in available vertebrate species. In silico splice site analysis predicts that this alteration may result in the creation or strengthening of a novel splice donor site. The evidence for this gene-disease relationship is limited; therefore, the clinical significance of this alteration is unclear.